The following is an entry in ClinVar:

NM_032122.5(DTNBP1):c.368C>T (p.Ala123Val)

Gene: DTNBP1 (dystrobrevin binding protein 1; minus strand). Cytogenetic location: 6p22.3.
Variant type: single nucleotide variant.
Coding change: c.368C>T on transcript NM_032122.5 (MANE Select); coding-DNA position 368, C replaced by T.
Protein change: p.Ala123Val; replaces alanine 123 with valine.
Molecular consequence: missense variant. On other transcripts: non-coding transcript variant (1).
Genome position (GRCh38, 1-based): chr6:15,615,387, G>A on the plus strand (C>T on the coding strand, the complement: DTNBP1 is on the minus strand). VCF-style: chr6-15615387-G-A. GRCh37 (hg19) VCF-style: chr6-15615618-G-A.
Other names: c.125C>T, p.Ala42Val (NM_001271667.2, NM_183041.1); c.317C>T, p.Ala106Val (NM_001271668.2); c.263C>T, p.Ala88Val (NM_001271669.2); c.368C>T, p.Ala123Val (NM_183040.2); short protein forms A106V, A123V, A42V, A88V.
Identifiers: ClinVar variation 2219454 (VCV002219454.7), dbSNP rs186317880, ClinGen allele CA3644143.

ClinVar aggregate classification (germline): Uncertain significance. Review status: criteria provided, multiple submitters, no conflicts (2 of 4 stars). 2 submissions from 2 submitters: Uncertain significance (2). Last evaluated 2024-06-19.

Conditions:
Inborn genetic diseases. Identifiers: MedGen C0950123, MeSH D030342.

Allele frequency attached by ClinVar (database versions not stated): ExAC 0.00003; gnomAD 0.00006; TOPMed 0.00006; 1000 Genomes Project 30x 0.00016; 1000 Genomes Project 0.00020.
gnomAD v4.1: 54 of 1,613,806 alleles (0.0033%); highest among the groups gnomAD compares: South Asian, 0.0066%; no homozygotes.

Submissions (2):

Labcorp Genetics (formerly Invitae), Labcorp
Classification: Uncertain significance. Last evaluated: 2024-06-19. Review status: criteria provided, single submitter. Criteria: Invitae Variant Classification Sherloc (09022015). Collection method: clinical testing. Allele origin: germline.
Comment: This sequence change replaces alanine, which is neutral and non-polar, with valine, which is neutral and non-polar, at codon 123 of the DTNBP1 protein (p.Ala123Val). This variant is present in population databases (rs186317880, gnomAD 0.006%). This variant has not been reported in the literature in individuals affected with DTNBP1-related conditions. ClinVar contains an entry for this variant (Variation ID: 2219454). Advanced modeling of protein sequence and biophysical properties (such as structural, functional, and spatial information, amino acid conservation, physicochemical variation, residue mobility, and thermodynamic stability) performed at Invitae indicates that this missense variant is not expected to disrupt DTNBP1 protein function with a negative predictive value of 80%. In summary, the available evidence is currently insufficient to determine the role of this variant in disease. Therefore, it has been classified as a Variant of Uncertain Significance.

Ambry Genetics
Classification: Uncertain significance for Inborn genetic diseases. Last evaluated: 2021-07-20. Review status: criteria provided, single submitter. Criteria: Ambry Variant Classification Scheme 2023. Collection method: clinical testing. Allele origin: germline.